The following is an entry in ClinVar:

NM_000051.4(ATM):c.9159A>G (p.Lys3053=)

Genes: C11orf65 (chromosome 11 open reading frame 65; minus strand), ATM (ATM serine/threonine kinase; plus strand). Cytogenetic location: 11q22.3.
Variant type: single nucleotide variant.
Coding change: c.9159A>G on transcript NM_000051.4 (MANE Select); coding-DNA position 9159, A replaced by G.
Protein change: p.Lys3053=; no amino-acid change (lysine 3053 retained).
Molecular consequence: synonymous variant. On other transcripts: intron variant (2).
Genome position (GRCh38, 1-based): chr11:108,365,496, A>G. VCF-style: chr11-108365496-A-G. GRCh37 (hg19) VCF-style: chr11-108236223-A-G.
Other names: c.9159A>G, p.Lys3053= (NM_001351834.2); c.640+20424T>C (NM_001330368.2); c.694+20424T>C (NM_001351110.2).
Identifiers: ClinVar variation 414617 (VCV000414617.26), dbSNP rs1060504315, ClinGen allele CA16613528.

ClinVar aggregate classification (germline): Benign/Likely benign. Review status: criteria provided, multiple submitters, no conflicts (2 of 4 stars). 6 submissions from 6 submitters: Benign (1); Likely benign (5). Last evaluated 2025-08-01.

Conditions:
Hereditary cancer-predisposing syndrome. Also called: Neoplastic Syndromes, Hereditary; Hereditary Cancer Syndrome; Tumor predisposition; Hereditary neoplastic syndrome. Identifiers: Orphanet 140162, MedGen C0027672, MeSH D009386, MONDO:0015356.
Ataxia-telangiectasia syndrome (AT). Also called: LOUIS-BAR SYNDROME; Cerebello-oculocutaneous telangiectasia; Immunodeficiency with ataxia telangiectasia; Ataxia-telangiectasia, complementation group D; AT, COMPLEMENTATION GROUP C; Ataxia-telangiectasia, complementation group E. Identifiers: Orphanet 100, MedGen C0004135, MONDO:0008840, OMIM 208900.
Familial cancer of breast. Also called: Hereditary breast cancer; BREAST CANCER, FAMILIAL; hereditary breast carcinoma. Identifiers: Orphanet 227535, MedGen C0346153, MONDO:0016419, OMIM 114480. Disease mechanism: loss of function.

Allele frequency attached by ClinVar (database versions not stated): gnomAD exomes below 0.00001.
gnomAD v4.1: 1 of 1,614,182 alleles (0.000062%); highest among the groups gnomAD compares: Admixed American, 0.0017%; no homozygotes.

Submissions (6):

CeGaT Center for Human Genetics Tuebingen
Classification: Likely benign. Last evaluated: 2025-08-01. Review status: criteria provided, single submitter. Criteria: CeGaT Center For Human Genetics Tuebingen Variant Classification Criteria Version 2. Collection method: clinical testing. Allele origin: germline. Affected: yes. Observed: 1 variant allele.
Comment: ATM: BP4, BP7

Myriad Genetics, Inc.
Classification: Benign for Familial cancer of breast. Last evaluated: 2024-06-25. Review status: criteria provided, single submitter. Criteria: Myriad Autosomal Dominant, Autosomal Recessive and X-Linked Classification Criteria (2023). Collection method: clinical testing. Allele origin: unknown.
Comment: This variant is considered benign. This variant is a silent/synonymous amino acid change and it is not expected to impact splicing.

Color Diagnostics, LLC DBA Color Health
Classification: Likely benign for Hereditary cancer-predisposing syndrome. Last evaluated: 2024-01-14. Review status: criteria provided, single submitter. Criteria: ACMG Guidelines, 2015. Collection method: clinical testing. Allele origin: germline.

Labcorp Genetics (formerly Invitae), Labcorp
Classification: Likely benign for Ataxia-telangiectasia syndrome. Last evaluated: 2023-05-18. Review status: criteria provided, single submitter. Criteria: Invitae Variant Classification Sherloc (09022015). Collection method: clinical testing. Allele origin: germline.

GeneDx
Classification: Likely benign. Last evaluated: 2018-03-20. Review status: criteria provided, single submitter. Criteria: GeneDx Variant Classification (06012015). Collection method: clinical testing. Allele origin: germline. Affected: yes.
Comment: This variant is considered likely benign or benign based on one or more of the following criteria: it is a conservative change, it occurs at a poorly conserved position in the protein, it is predicted to be benign by multiple in silico algorithms, and/or has population frequency not consistent with disease.

Ambry Genetics
Classification: Likely benign for Hereditary cancer-predisposing syndrome. Last evaluated: 2017-08-29. Review status: criteria provided, single submitter. Criteria: Ambry Variant Classification Scheme 2023. Collection method: clinical testing. Allele origin: germline.